The following is an entry in ClinVar:

ClinVar aggregate classification (germline): Uncertain significance. Review status: criteria provided, multiple submitters, no conflicts (2 of 4 stars). 2 submissions from 2 submitters: Uncertain significance (2). Last evaluated 2024-08-01.

Conditions:
Inborn genetic diseases. Identifiers: MedGen C0950123, MeSH D030342.

Allele frequency attached by ClinVar (database versions not stated): gnomAD 0.00005; 1000 Genomes Project 30x 0.00016; 1000 Genomes Project 0.00020.
gnomAD v4.1: 99 of 1,614,260 alleles (0.0061%); highest among the groups gnomAD compares: Non-Finnish European, 0.0082%; no homozygotes.

Submissions (2):

Labcorp Genetics (formerly Invitae), Labcorp
Classification: Uncertain significance. Last evaluated: 2024-08-01. Review status: criteria provided, single submitter. Criteria: Invitae Variant Classification Sherloc (09022015). Collection method: clinical testing. Allele origin: germline.
Comment: This sequence change replaces glycine, which is neutral and non-polar, with glutamic acid, which is acidic and polar, at codon 845 of the LAMB1 protein (p.Gly845Glu). This variant is present in population databases (rs199766322, gnomAD 0.004%). This variant has not been reported in the literature in individuals affected with LAMB1-related conditions. ClinVar contains an entry for this variant (Variation ID: 2234855). An algorithm developed to predict the effect of missense changes on protein structure and function (PolyPhen-2) suggests that this variant is likely to be disruptive. In summary, the available evidence is currently insufficient to determine the role of this variant in disease. Therefore, it has been classified as a Variant of Uncertain Significance.

Ambry Genetics
Classification: Uncertain significance for Inborn genetic diseases. Last evaluated: 2021-07-06. Review status: criteria provided, single submitter. Criteria: Ambry Variant Classification Scheme 2023. Collection method: clinical testing. Allele origin: germline.

NM_002291.3(LAMB1):c.2534G>A (p.Gly845Glu)

Gene: LAMB1 (laminin subunit beta 1; minus strand). Cytogenetic location: 7q31.1.
Variant type: single nucleotide variant.
Coding change: c.2534G>A on transcript NM_002291.3 (MANE Select); coding-DNA position 2534, G replaced by A.
Protein change: p.Gly845Glu; replaces glycine 845 with glutamic acid.
Molecular consequence: missense variant.
Genome position (GRCh38, 1-based): chr7:107,959,405, C>T on the plus strand (G>A on the coding strand, the complement: LAMB1 is on the minus strand). VCF-style: chr7-107959405-C-T. GRCh37 (hg19) VCF-style: chr7-107599850-C-T.
Other names: short protein forms G845E.
Identifiers: ClinVar variation 2234855 (VCV002234855.4), dbSNP rs199766322, ClinGen allele CA4435601.